The following is an entry in ClinVar:

NM_000543.5(SMPD1):c.890C>T (p.Ala297Val)

Gene: SMPD1 (sphingomyelin phosphodiesterase 1; plus strand). Cytogenetic location: 11p15.4.
Variant type: single nucleotide variant.
Coding change: c.890C>T on transcript NM_000543.5 (MANE Select); coding-DNA position 890, C replaced by T.
Protein change: p.Ala297Val; replaces alanine 297 with valine.
Molecular consequence: missense variant. On other transcripts: 5 prime UTR variant (1), non-coding transcript variant (1).
Genome position (GRCh38, 1-based): chr11:6,391,955, C>T. VCF-style: chr11-6391955-C-T. GRCh37 (hg19) VCF-style: chr11-6413185-C-T.
Other names: c.887C>T, p.Ala296Val (NM_001007593.3); c.890C>T, p.Ala297Val (NM_001318087.2, NM_001365135.2); c.-72C>T (NM_001318088.2); short protein forms A296V, A297V.
Identifiers: ClinVar variation 2197736 (VCV002197736.1), dbSNP rs150815128, ClinGen allele CA5852702.

ClinVar aggregate classification (germline): Uncertain significance (1 of 4 stars; one submission).

Conditions:
Niemann-Pick disease, type B. Also called: Chronic Visceral ASMD (Niemann-Pick Disease Type B; NPD-B). Identifiers: Orphanet 77293, MedGen C0268243, MONDO:0011871, OMIM 607616. Disease mechanism: loss of function.
Niemann-Pick disease, type A. Also called: SPHINGOMYELIN LIPIDOSIS; SPHINGOMYELINASE DEFICIENCY; Infantile Neurovisceral ASMD (Niemann-Pick Disease Type A; NPD-A). Identifiers: Orphanet 77292, MedGen C0268242, MONDO:0009756, OMIM 257200. Disease mechanism: loss of function.

Allele frequency attached by ClinVar (database versions not stated): ExAC 0.00001; gnomAD 0.00003; gnomAD exomes 0.00006; ESP Exome Variant Server 0.00008.

Submission:

Labcorp Genetics (formerly Invitae), Labcorp
Classification: Uncertain significance for Niemann-Pick disease, type B; Niemann-Pick disease, type A. Last evaluated: 2022-08-08. Review status: criteria provided, single submitter. Criteria: Invitae Variant Classification Sherloc (09022015). Collection method: clinical testing. Allele origin: germline.
Comment: This sequence change replaces alanine, which is neutral and non-polar, with valine, which is neutral and non-polar, at codon 297 of the SMPD1 protein (p.Ala297Val). This variant is present in population databases (rs150815128, gnomAD 0.005%). This variant has not been reported in the literature in individuals affected with SMPD1-related conditions. Algorithms developed to predict the effect of missense changes on protein structure and function (SIFT, PolyPhen-2, Align-GVGD) all suggest that this variant is likely to be tolerated. In summary, the available evidence is currently insufficient to determine the role of this variant in disease. Therefore, it has been classified as a Variant of Uncertain Significance.